The following is an entry in ClinVar:

ClinVar aggregate classification (germline): Likely benign. Review status: criteria provided, multiple submitters, no conflicts (2 of 4 stars). 2 submissions from 2 submitters: Likely benign (2). Last evaluated 2017-04-27.

Conditions:
Ectodermal dysplasia 10B, hypohidrotic/hair/tooth type, autosomal recessive. Also called: Ectodermal Dysplasia, Hypohidrotic, Autosomal Recessive; Ectodermal dysplasia 10B, hypohidrotic/hair/tooth type, autosomal. Identifiers: Orphanet 238468, Orphanet 248, MedGen C3887494, MONDO:0009147, OMIM 224900.

Allele frequency attached by ClinVar (database versions not stated): gnomAD 0.02320 and 0.02144; 1000 Genomes Project 0.02356; 1000 Genomes Project 30x 0.02436; TOPMed 0.02502.

Submissions (2):

Illumina Laboratory Services, Illumina
Classification: Likely benign for Autosomal recessive hypohidrotic ectodermal dysplasia syndrome. Last evaluated: 2017-04-27. Review status: criteria provided, single submitter. Criteria: ICSL Variant Classification Criteria 13 December 2019. Collection method: clinical testing. Allele origin: germline.
Comment: This variant was observed as part of a predisposition screen in an ostensibly healthy population. A literature search was performed for the gene, cDNA change, and amino acid change (where applicable). No publications were found based on this search. Allele frequency data from public databases allowed determination this variant is unlikely to cause disease. Therefore, this variant is classified as likely benign.

Breakthrough Genomics
Classification: Likely benign. Review status: criteria provided, single submitter. Criteria: ACMG Guidelines, 2015. Collection method: not provided. Allele origin: germline. Inheritance: Autosomal recessive inheritance. Affected: yes.

NM_145861.4(EDARADD):c.*682G>A

Gene: EDARADD (EDAR associated via death domain; plus strand). Cytogenetic location: 1q43.
Variant type: single nucleotide variant.
Coding change: c.*682G>A on transcript NM_145861.4 (MANE Select); 682 bases downstream of the stop codon, G replaced by A.
Molecular consequence: 3 prime UTR variant.
Genome position (GRCh38, 1-based): chr1:236,483,331, G>A. VCF-style: chr1-236483331-G-A. GRCh37 (hg19) VCF-style: chr1-236646631-G-A.
Other names: c.*682G>A (NM_001422628.1, NM_080738.5).
Identifiers: ClinVar variation 296464 (VCV000296464.6), dbSNP rs61740486, ClinGen allele CA10609579.
Genomic context (GRCh38, chr1:236,483,331, plus strand): 5'-CCAGTGGTGCTTCAACTGGTATCTATGAGGTCCTAGAGCTCCAGGACAATGATAAGACTC[G>A]CTATATGGGGAAGGGTGTCTCAAAGCCTGTTGAGCCCATCAATAAAACTATTGCACCTGT-3'